The following is an entry in ClinVar:

NM_022051.3(EGLN1):c.891+2dup

Genes: EGLN1 (egl-9 family hypoxia inducible factor 1; minus strand), LOC129932769 (ATAC-STARR-seq lymphoblastoid active region 2730; plus strand). Cytogenetic location: 1q42.2.
Variant type: Duplication.
Coding change: c.891+2dup on transcript NM_022051.3 (MANE Select); the canonical splice donor site of the intron after coding-DNA position 891, one base duplicated (T; older notation c.891+2dupT).
Molecular consequence: splice donor variant.
Genome position (GRCh38, 1-based): chr1:231,420,996, A duplicated on the plus strand (T on the coding strand, the reverse complement: EGLN1 is on the minus strand). VCF-style (leftmost placement, unchanged base first): chr1-231420995-T-TA. GRCh37 (hg19) VCF-style: chr1-231556741-T-TA.
Other names: c.891+2dup (NM_001377261.1, NM_001377260.1).
Identifiers: ClinVar variation 3710197 (VCV003710197.2).
Genomic context (GRCh38, chr1:231,420,995, plus strand): 5'-TCGCAGGCAGGGGCTGCCCGCCGAGAAGGGCCTGTCCAGCACAAACCCGCAGCACACACT[T>TA]ACTTTCGTCCGGCCATTGATTTTGTAGCTGCCCAGCTTCCCGTTACAGTGGCGTATCAGG-3'

ClinVar aggregate classification (germline): Uncertain significance (1 of 4 stars; one submission).

Conditions:
Erythrocytosis, familial, 3 (ECYT3). Identifiers: Orphanet 247511, MedGen C1853286, MONDO:0012353, OMIM 609820.

Submission:

Labcorp Genetics (formerly Invitae), Labcorp
Classification: Uncertain significance for Erythrocytosis, familial, 3. Last evaluated: 2024-11-13. Review status: criteria provided, single submitter. Criteria: Invitae Variant Classification Sherloc (09022015). Collection method: clinical testing. Allele origin: germline.
Comment: This sequence change falls in intron 1 of the EGLN1 gene. It does not directly change the encoded amino acid sequence of the EGLN1 protein. It affects a nucleotide within the consensus splice site. This variant is not present in population databases (gnomAD no frequency). This variant has not been reported in the literature in individuals affected with EGLN1-related conditions. Variants that disrupt the consensus splice site are a relatively common cause of aberrant splicing (PMID: 17576681, 9536098). Algorithms developed to predict the effect of sequence changes on RNA splicing suggest that this variant may disrupt the consensus splice site. In summary, the available evidence is currently insufficient to determine the role of this variant in disease. Therefore, it has been classified as a Variant of Uncertain Significance.

Literature cited by the submitters: PubMed 17576681; PubMed 9536098.